The following is an entry in ClinVar:

NM_032229.3(SLITRK6):c.1739G>C (p.Ser580Thr)

Gene: SLITRK6 (SLIT and NTRK like family member 6; minus strand). Cytogenetic location: 13q31.1.
Variant type: single nucleotide variant.
Coding change: c.1739G>C on transcript NM_032229.3 (MANE Select); coding-DNA position 1739, G replaced by C.
Protein change: p.Ser580Thr; replaces serine 580 with threonine.
Molecular consequence: missense variant.
Genome position (GRCh38, 1-based): chr13:85,794,770, C>G on the plus strand (G>C on the coding strand, the complement: SLITRK6 is on the minus strand). VCF-style: chr13-85794770-C-G. GRCh37 (hg19) VCF-style: chr13-86368905-C-G.
Other names: short protein forms S580T.
Identifiers: ClinVar variation 2364933 (VCV002364933.4), dbSNP rs377680721, ClinGen allele CA7015036.

ClinVar aggregate classification (germline): Uncertain significance. Review status: criteria provided, multiple submitters, no conflicts (2 of 4 stars). 2 submissions from 2 submitters: Uncertain significance (2). Last evaluated 2025-12-11.

Conditions:
Inborn genetic diseases. Identifiers: MedGen C0950123, MeSH D030342.

Allele frequency attached by ClinVar (database versions not stated): ExAC 0.00001; gnomAD 0.00003; TOPMed 0.00002; ESP Exome Variant Server 0.00008.
gnomAD v4.1: 24 of 1,613,064 alleles (0.0015%); highest among the groups gnomAD compares: Non-Finnish European, 0.0019%; no homozygotes.

Submissions (2):

Ambry Genetics
Classification: Uncertain significance for Inborn genetic diseases. Last evaluated: 2025-12-11. Review status: criteria provided, single submitter. Criteria: Ambry Variant Classification Scheme 2023. Collection method: clinical testing. Allele origin: germline.

Labcorp Genetics (formerly Invitae), Labcorp
Classification: Uncertain significance. Last evaluated: 2023-12-21. Review status: criteria provided, single submitter. Criteria: Invitae Variant Classification Sherloc (09022015). Collection method: clinical testing. Allele origin: germline.
Comment: This sequence change replaces serine, which is neutral and polar, with threonine, which is neutral and polar, at codon 580 of the SLITRK6 protein (p.Ser580Thr). This variant is present in population databases (rs377680721, gnomAD 0.005%). This variant has not been reported in the literature in individuals affected with SLITRK6-related conditions. ClinVar contains an entry for this variant (Variation ID: 2364933). An algorithm developed to predict the effect of missense changes on protein structure and function (PolyPhen-2) suggests that this variant¬†is likely to be tolerated. In summary, the available evidence is currently insufficient to determine the role of this variant in disease. Therefore, it has been classified as a Variant of Uncertain Significance.